The following is an entry in ClinVar:

NM_017636.4(TRPM4):c.901G>A (p.Val301Met)

Gene: TRPM4 (transient receptor potential cation channel subfamily M member 4; plus strand). Cytogenetic location: 19q13.33.
Variant type: single nucleotide variant.
Coding change: c.901G>A on transcript NM_017636.4 (MANE Select); coding-DNA position 901, G replaced by A.
Protein change: p.Val301Met; replaces valine 301 with methionine.
Molecular consequence: missense variant. On other transcripts: 5 prime UTR variant (1).
Genome position (GRCh38, 1-based): chr19:49,171,620, G>A. VCF-style: chr19-49171620-G-A. GRCh37 (hg19) VCF-style: chr19-49674877-G-A.
Other names: c.901G>A, p.Val301Met (NM_001195227.2); c.556G>A, p.Val186Met (NM_001321281.2); c.-653G>A (NM_001321282.2); c.379G>A, p.Val127Met (NM_001321283.2); c.52G>A, p.Val18Met (NM_001321285.2); short protein forms V301M, V127M, V186M, V18M.
Identifiers: ClinVar variation 2563516 (VCV002563516.5), dbSNP rs775940376, ClinGen allele CA9569011.

ClinVar aggregate classification (germline): Uncertain significance. Review status: criteria provided, multiple submitters, no conflicts (2 of 4 stars). 2 submissions from 2 submitters: Uncertain significance (2). Last evaluated 2025-12-15.

Conditions:
Cardiovascular phenotype. Identifiers: MedGen CN230736.
Progressive familial heart block type IB (PFHB1B). Identifiers: Orphanet 871, MedGen C1970298, MONDO:0011474, OMIM 604559.

Allele frequency attached by ClinVar (database versions not stated): TOPMed 0.00001; gnomAD exomes 0.00002; ExAC 0.00001.

Submissions (2):

Labcorp Genetics (formerly Invitae), Labcorp
Classification: Uncertain significance for Progressive familial heart block type IB. Last evaluated: 2025-12-15. Review status: criteria provided, single submitter. Criteria: Invitae Variant Classification Sherloc (09022015). Collection method: clinical testing. Allele origin: germline.
Comment: This sequence change replaces valine, which is neutral and non-polar, with methionine, which is neutral and non-polar, at codon 301 of the TRPM4 protein (p.Val301Met). This variant is present in population databases (rs775940376, gnomAD 0.0009%). This variant has not been reported in the literature in individuals affected with TRPM4-related conditions. ClinVar contains an entry for this variant (Variation ID: 2563516). An algorithm developed to predict the effect of missense changes on protein structure and function (PolyPhen-2) suggests that this variant is likely to be disruptive. In summary, the available evidence is currently insufficient to determine the role of this variant in disease. Therefore, it has been classified as a Variant of Uncertain Significance.

Ambry Genetics
Classification: Uncertain significance for Cardiovascular phenotype. Last evaluated: 2023-05-30. Review status: criteria provided, single submitter. Criteria: Ambry Variant Classification Scheme 2023. Collection method: clinical testing. Allele origin: germline.
Comment: The p.V301M variant (also known as c.901G>A), located in coding exon 8 of the TRPM4 gene, results from a G to A substitution at nucleotide position 901. The valine at codon 301 is replaced by methionine, an amino acid with highly similar properties. This amino acid position is conserved. In addition, this alteration is predicted to be tolerated by in silico analysis. Since supporting evidence is limited at this time, the clinical significance of this alteration remains unclear.